The following is an entry in ClinVar:

NM_153717.3(EVC):c.773dup (p.Tyr258Ter)

Gene: EVC (EvC ciliary complex subunit 1; plus strand). Cytogenetic location: 4p16.2.
Variant type: Duplication.
Coding change: c.773dup on transcript NM_153717.3 (MANE Select); coding-DNA position 773, one base duplicated (A; older notation c.773dupA).
Protein change: p.Tyr258Ter; replaces tyrosine 258 with a stop codon.
Molecular consequence: nonsense.
Genome position (GRCh38, 1-based): chr4:5,741,786, A duplicated. VCF-style (leftmost placement, unchanged base first): chr4-5741785-T-TA. GRCh37 (hg19) VCF-style: chr4-5743512-T-TA.
Other names: c.773dupA (NM_153717.2); c.773dup, p.Tyr258Ter (NM_001306090.2, NM_001306092.2); short protein forms Y258*.
Identifiers: ClinVar variation 1456653 (VCV001456653.8), dbSNP rs748201094, ClinGen allele CA2835843.
Genomic context (GRCh38, chr4:5,741,785, plus strand): 5'-CAGATTTTTAAAATGTGCCTCCTTGACCTTCTTCCTAAAAAGAAGTCAGATGATGAACTA[T>TA]ACCAGAAGATCCTTTCAAAACAAGAAAAAGTAAGTCTTCAACCTATGTTTCAAGGTAACT-3'

ClinVar aggregate classification (germline): Pathogenic/Likely pathogenic. Review status: criteria provided, multiple submitters, no conflicts (2 of 4 stars). 2 submissions from 2 submitters: Pathogenic (1); Likely pathogenic (1). Last evaluated 2025-07-22.

Conditions:
Ellis-van Creveld syndrome (EVC). Also called: EVC-Related Ellis-van Creveld Syndrome; EVC2-Related Ellis-van Creveld Syndrome; MESOECTODERMAL DYSPLASIA; Chondroectodermal dysplasia. Identifiers: Orphanet 289, MedGen C0013903, MONDO:0009162, OMIM 225500.
Curry-Hall syndrome (WAD). Also called: WEYERS ACRODENTAL DYSOSTOSIS. Identifiers: Orphanet 952, MedGen C0457013, MONDO:0008673, OMIM 193530.

Allele frequency attached by ClinVar (database versions not stated): gnomAD exomes below 0.00001 and 0.00001; ExAC 0.00002.

Submissions (2):

Natera, Inc.
Classification: Likely pathogenic for Ellis-van Creveld syndrome. Last evaluated: 2025-07-22. Review status: criteria provided, single submitter. Criteria: Natera Variant Classification Schema (03/2026). Collection method: clinical testing. Allele origin: germline.
Comment: The c.773dupA variant in EVC is a frameshift variant predicted to shift the reading frame and introduce a stop codon. This variant is expected to result in nonsense mediated decay, truncation, or a dysfunctional protein product. This variant is rare in the general population with a frequency below the threshold expected for the associated phenotype(s). Given the available evidence, this variant is classified as Likely Pathogenic.

Labcorp Genetics (formerly Invitae), Labcorp
Classification: Pathogenic for Curry-Hall syndrome; Ellis-van Creveld syndrome. Last evaluated: 2021-01-29. Review status: criteria provided, single submitter. Criteria: Invitae Variant Classification Sherloc (09022015). Collection method: clinical testing. Allele origin: germline.
Comment: This sequence change creates a premature translational stop signal (p.Tyr258*) in the EVC gene. It is expected to result in an absent or disrupted protein product. Loss-of-function variants in EVC are known to be pathogenic (PMID: 23220543). This variant is present in population databases (rs748201094, ExAC 0.003%). This variant has not been reported in the literature in individuals with EVC-related conditions. For these reasons, this variant has been classified as Pathogenic.

Literature cited by the submitters: PubMed 23220543 (cited by Labcorp Genetics (formerly Invitae), Labcorp).